The following is an entry in ClinVar:

ClinVar aggregate classification (germline): Uncertain significance (1 of 4 stars; one submission).

Submission:

Labcorp Genetics (formerly Invitae), Labcorp
Classification: Uncertain significance. Last evaluated: 2024-09-25. Review status: criteria provided, single submitter. Criteria: Invitae Variant Classification Sherloc (09022015). Collection method: clinical testing. Allele origin: germline.
Comment: This sequence change replaces arginine, which is basic and polar, with lysine, which is basic and polar, at codon 429 of the BACH2 protein (p.Arg429Lys). This variant is not present in population databases (gnomAD no frequency). This variant has not been reported in the literature in individuals affected with BACH2-related conditions. Invitae Evidence Modeling of protein sequence and biophysical properties (such as structural, functional, and spatial information, amino acid conservation, physicochemical variation, residue mobility, and thermodynamic stability) indicates that this missense variant is not expected to disrupt BACH2 protein function with a negative predictive value of 80%. In summary, the available evidence is currently insufficient to determine the role of this variant in disease. Therefore, it has been classified as a Variant of Uncertain Significance.

NM_021813.4(BACH2):c.1286G>A (p.Arg429Lys)

Gene: BACH2 (BACH transcriptional regulator 2; minus strand). Cytogenetic location: 6q15.
Variant type: single nucleotide variant.
Coding change: c.1286G>A on transcript NM_021813.4 (MANE Select); coding-DNA position 1286, G replaced by A.
Protein change: p.Arg429Lys; replaces arginine 429 with lysine.
Molecular consequence: missense variant.
Genome position (GRCh38, 1-based): chr6:89,950,820, C>T on the plus strand (G>A on the coding strand, the complement: BACH2 is on the minus strand). VCF-style: chr6-89950820-C-T. GRCh37 (hg19) VCF-style: chr6-90660539-C-T.
Other names: c.1286G>A, p.Arg429Lys (NM_001170794.2); short protein forms R429K.
Identifiers: ClinVar variation 3642623 (VCV003642623.2).